The following is an entry in ClinVar:

ClinVar aggregate classification (germline): Uncertain significance (1 of 4 stars; one submission).

Conditions:
Brugada syndrome. Also called: Sudden unexpected nocturnal death syndrome; Sudden unexplained nocturnal death syndrome; Sudden Unexplained Death Syndrome; Sudden Unexplained Nocturnal Death Syndrome (SUNDS). Identifiers: Orphanet 130, MedGen C1142166, MONDO:0015263.

gnomAD v4.1: 3 of 1,607,536 alleles (0.00019%); highest among the groups gnomAD compares: Admixed American, 0.0051%; no homozygotes.

Submission:

Labcorp Genetics (formerly Invitae), Labcorp
Classification: Uncertain significance for Brugada syndrome. Last evaluated: 2025-10-07. Review status: criteria provided, single submitter. Criteria: Invitae Variant Classification Sherloc (09022015). Collection method: clinical testing. Allele origin: germline.
Comment: This sequence change replaces asparagine, which is neutral and polar, with isoleucine, which is neutral and non-polar, at codon 559 of the SCN10A protein (p.Asn559Ile). This variant is not present in population databases (gnomAD no frequency). This variant has not been reported in the literature in individuals affected with SCN10A-related conditions. ClinVar contains an entry for this variant (Variation ID: 3707230). Invitae Evidence Modeling of protein sequence and biophysical properties (such as structural, functional, and spatial information, amino acid conservation, physicochemical variation, residue mobility, and thermodynamic stability) indicates that this missense variant is not expected to disrupt SCN10A protein function with a negative predictive value of 95%. In summary, the available evidence is currently insufficient to determine the role of this variant in disease. Therefore, it has been classified as a Variant of Uncertain Significance.

NM_006514.4(SCN10A):c.1676A>T (p.Asn559Ile)

Gene: SCN10A (sodium voltage-gated channel alpha subunit 10; minus strand). Cytogenetic location: 3p22.2.
Variant type: single nucleotide variant.
Coding change: c.1676A>T on transcript NM_006514.4 (MANE Select); coding-DNA position 1676, A replaced by T.
Protein change: p.Asn559Ile; replaces asparagine 559 with isoleucine.
Molecular consequence: missense variant. On other transcripts: intron variant (1).
Genome position (GRCh38, 1-based): chr3:38,752,298, T>A on the plus strand (A>T on the coding strand, the complement: SCN10A is on the minus strand). VCF-style: chr3-38752298-T-A. GRCh37 (hg19) VCF-style: chr3-38793789-T-A.
Other names: c.1676A>T, p.Asn559Ile (NM_001293306.2); c.1462-2114A>T (NM_001293307.2); short protein forms N559I.
Identifiers: ClinVar variation 3707230 (VCV003707230.2).